The following is an entry in ClinVar:

ClinVar aggregate classification (germline): Uncertain significance. Review status: criteria provided, multiple submitters, no conflicts (2 of 4 stars). 2 submissions from 2 submitters: Uncertain significance (2). Last evaluated 2025-12-17.

Conditions:
Hereditary cancer-predisposing syndrome. Also called: Neoplastic Syndromes, Hereditary; Hereditary Cancer Syndrome; Tumor predisposition; Hereditary neoplastic syndrome. Identifiers: Orphanet 140162, MedGen C0027672, MeSH D009386, MONDO:0015356.

Allele frequency attached by ClinVar (database versions not stated): gnomAD exomes below 0.00001.
gnomAD v4.1: 1 of 1,614,172 alleles (0.000062%); highest among the groups gnomAD compares: Non-Finnish European, 0.000085%; no homozygotes.

Submissions (2):

Ambry Genetics
Classification: Uncertain significance for Hereditary cancer-predisposing syndrome. Last evaluated: 2025-12-17. Review status: criteria provided, single submitter. Criteria: Ambry Variant Classification Scheme 2023. Collection method: clinical testing. Allele origin: germline.
Comment: The p.L1256F variant (also known as c.3766C>T), located in coding exon 25 of the ALK gene, results from a C to T substitution at nucleotide position 3766. The leucine at codon 1256 is replaced by phenylalanine, an amino acid with highly similar properties. This amino acid position is highly conserved in available vertebrate species. In addition, this alteration is predicted to be deleterious by in silico analysis. Based on the available evidence, the clinical significance of this variant remains unclear.

CeGaT Center for Human Genetics Tuebingen
Classification: Uncertain significance. Last evaluated: 2023-02-01. Review status: criteria provided, single submitter. Criteria: CeGaT Center For Human Genetics Tuebingen Variant Classification Criteria Version 2. Collection method: clinical testing. Allele origin: germline. Affected: yes. Observed: 1 variant allele.
Comment: ALK: PM2, PP3

NM_004304.5(ALK):c.3766C>T (p.Leu1256Phe)

Gene: ALK (ALK receptor tyrosine kinase; minus strand). Cytogenetic location: 2p23.2.
Variant type: single nucleotide variant.
Coding change: c.3766C>T on transcript NM_004304.5 (MANE Select); coding-DNA position 3766, C replaced by T.
Protein change: p.Leu1256Phe; replaces leucine 1256 with phenylalanine.
Molecular consequence: missense variant.
Genome position (GRCh38, 1-based): chr2:29,209,856, G>A on the plus strand (C>T on the coding strand, the complement: ALK is on the minus strand). VCF-style: chr2-29209856-G-A. GRCh37 (hg19) VCF-style: chr2-29432722-G-A.
Other names: c.3766C>T (NM_004304.4); c.562C>T, p.Leu188Phe (NM_001353765.2); short protein forms L1256F, L188F.
Identifiers: ClinVar variation 2650790 (VCV002650790.24), dbSNP rs2148155323, ClinGen allele CA346469787.
Genomic context (GRCh38, chr2:29,209,856, plus strand): 5'-CTCGGGCCATCCCGAAGTCTCCAATCTTGGCCACTCTTCCAGGGCCTGGACAGGTCAAGA[G>A]GCAGTTTCTGGCAGCAATGTCTCTGGGAAGAAAGGAAATGCATTTCCTAATTTTATCCCT-3'
Protein context (NP_004295.2, residues 1246-1266): IHRDIAARNC[Leu1256Phe]LTCPGPGRVA